The following is an entry in ClinVar:

NM_033100.4(CDHR1):c.526-7C>G

Gene: CDHR1 (cadherin related family member 1; plus strand). Cytogenetic location: 10q23.1.
Variant type: single nucleotide variant.
Coding change: c.526-7C>G on transcript NM_033100.4 (MANE Select); 7 bases into the intron before coding-DNA position 526, C replaced by G.
Molecular consequence: intron variant.
Genome position (GRCh38, 1-based): chr10:84,201,800, C>G. VCF-style: chr10-84201800-C-G. GRCh37 (hg19) VCF-style: chr10-85961556-C-G.
Other names: c.526-7C>G (NM_001171971.3).
Identifiers: ClinVar variation 198604 (VCV000198604.48), dbSNP rs190906755, ClinGen allele CA247354.

ClinVar aggregate classification (germline): Conflicting classifications of pathogenicity. Review status: criteria provided, conflicting classifications (1 of 4 stars). 6 submissions from 6 submitters: Uncertain significance (1); Benign (2); Likely benign (2). 1 of the submissions does not count toward it. Last evaluated 2026-09-01.

Conditions:
CDHR1-related disorder. Also called: CDHR1-related condition.
Cone-rod dystrophy 15 (CORD15). Identifiers: MedGen C3150912, MONDO:0013348, OMIM 613660.

Allele frequency attached by ClinVar (database versions not stated): TOPMed 0.00145; gnomAD 0.00166 and 0.00190; ESP Exome Variant Server 0.00169; gnomAD exomes 0.00212 and 0.00288; ExAC 0.00226; 1000 Genomes Project 30x 0.00234; 1000 Genomes Project 0.00300.
gnomAD v4.1: 4,481 of 1,608,768 alleles (0.28%); highest among the groups gnomAD compares: South Asian, 0.67%; 22 homozygotes.

Submissions (6):

CeGaT Center for Human Genetics Tuebingen
Classification: Likely benign. Last evaluated: 2026-09-01. Review status: criteria provided, single submitter. Criteria: CeGaT Center For Human Genetics Tuebingen Variant Classification Criteria Version 2. Collection method: clinical testing. Allele origin: germline. Affected: yes. Observed: 5 variant alleles.
Comment: CDHR1: BP4, BS2

PreventionGenetics, part of Exact Sciences
Classification: Benign for CDHR1-related condition. Last evaluated: 2026-06-17. Review status: criteria provided, single submitter. Criteria: ACMG Guidelines, 2015. Collection method: clinical testing. Allele origin: germline.
Comment: This variant is classified as benign based on ACMG/AMP sequence variant interpretation guidelines (Richards et al. 2015 PMID: 25741868, with internal and published modifications).

Labcorp Genetics (formerly Invitae), Labcorp
Classification: Benign. Last evaluated: 2026-01-19. Review status: criteria provided, single submitter. Criteria: Invitae Variant Classification Sherloc (09022015). Collection method: clinical testing. Allele origin: germline.

Clinical Genetics DNA and cytogenetics Diagnostics Lab, Erasmus MC, Erasmus Medical Center
Classification: Likely benign for Cone-rod dystrophy 15. Last evaluated: 2017-06-08. Review status: criteria provided, single submitter. Criteria: ACGS Guidelines, 2013. Collection method: clinical testing. Allele origin: germline. Affected: yes. Study: VKGL Data-share Consensus.

Eurofins Ntd Llc (ga)
Classification: Uncertain significance. Last evaluated: 2014-08-21. Review status: criteria provided, single submitter. Criteria: EGL Classification Definitions 2015. Collection method: clinical testing. Allele origin: germline. Observed: 1 variant allele, 1 heterozygote.

Clinical Genetics, Academic Medical Center
Classification: Likely benign. Review status: no assertion criteria provided. Collection method: clinical testing. Allele origin: germline. Affected: yes. Study: VKGL Data-share Consensus. Not counted in ClinVar's aggregate classification.